The following is an entry in ClinVar:

NM_000535.7(PMS2):c.537+1G>T

Gene: PMS2 (PMS1 homolog 2, mismatch repair system component; minus strand). Cytogenetic location: 7p22.1.
Variant type: single nucleotide variant.
Coding change: c.537+1G>T on transcript NM_000535.7 (MANE Select); the canonical splice donor site of the intron after coding-DNA position 537, G replaced by T.
Molecular consequence: splice donor variant. On other transcripts: intron variant (1).
Genome position (GRCh38, 1-based): chr7:6,002,452, C>A on the plus strand (G>T on the coding strand, the complement: PMS2 is on the minus strand). VCF-style: chr7-6002452-C-A. GRCh37 (hg19) VCF-style: chr7-6042083-C-A.
Other names: c.537+1G>T (NM_001406873.1, NM_001406912.1, NM_001322006.2 and 8 more transcripts); c.228+1G>T (NM_001406878.1, NM_001406882.1, NM_001406875.1 and 6 more transcripts); c.561+1G>T (NM_001406868.1); c.132+1G>T (NM_001406891.1, NM_001406899.1, NM_001406893.1 and 24 more transcripts); c.723+1G>T (NM_001406866.1); c.219+1G>T (NM_001322008.2, NM_001406902.1, NM_001406883.1 and 4 more transcripts); c.-348+1G>T (NM_001322012.2, NM_001322011.2); c.250+1520G>T (NM_001406885.1).
Identifiers: ClinVar variation 2734970 (VCV002734970.3), dbSNP rs863224450, ClinGen allele CA366744145.

ClinVar aggregate classification (germline): Pathogenic (1 of 4 stars; one submission).

Conditions:
Hereditary nonpolyposis colorectal neoplasms. Identifiers: MedGen C0009405, MeSH D003123.

Submission:

Labcorp Genetics (formerly Invitae), Labcorp
Classification: Pathogenic for Hereditary nonpolyposis colorectal neoplasms. Last evaluated: 2023-06-09. Review status: criteria provided, single submitter. Criteria: Invitae Variant Classification Sherloc (09022015). Collection method: clinical testing. Allele origin: germline.
Comment: This variant is not present in population databases (gnomAD no frequency). This sequence change affects a donor splice site in intron 5 of the PMS2 gene. It is expected to disrupt RNA splicing. Variants that disrupt the donor or acceptor splice site typically lead to a loss of protein function (PMID: 16199547), and loss-of-function variants in PMS2 are known to be pathogenic (PMID: 21376568, 24362816). Disruption of this splice site has been observed in individuals with colorectal and endometrial cancer (PMID: 20587412; Invitae). Algorithms developed to predict the effect of sequence changes on RNA splicing suggest that this variant may disrupt the consensus splice site. For these reasons, this variant has been classified as Pathogenic.

Literature cited by the submitters: PubMed 16199547; PubMed 21376568; PubMed 24362816; PubMed 20587412.